The following is an entry in ClinVar:

NC_000009.11:g.(?_133936402)_(133936630_?)del

Gene: LAMC3 (laminin subunit gamma 3; plus strand). Cytogenetic location: 9q34.12.
Variant type: Deletion.
Identifiers: ClinVar variation 1447705 (VCV001447705.7).

ClinVar aggregate classification (germline): Uncertain significance (1 of 4 stars; one submission).

Submission:

Labcorp Genetics (formerly Invitae), Labcorp
Classification: Uncertain significance. Last evaluated: 2023-11-14. Review status: criteria provided, single submitter. Criteria: Invitae Variant Classification Sherloc (09022015). Collection method: clinical testing. Allele origin: germline.
Comment: This variant is a gross deletion of the genomic region encompassing exon(s) 13 of the LAMC3 gene. This variant would be expected to be in-frame, preserving the integrity of the reading frame. This variant has not been reported in the literature in individuals affected with LAMC3-related conditions. Experimental studies and prediction algorithms are not available or were not evaluated, and the functional significance of this variant is currently unknown. In summary, the available evidence is currently insufficient to determine the role of this variant in disease. Therefore, it has been classified as a Variant of Uncertain Significance.